The following is an entry in ClinVar:

NM_007194.4(CHEK2):c.1008+2T>C

Gene: CHEK2 (checkpoint kinase 2; minus strand). Cytogenetic location: 22q12.1.
Variant type: single nucleotide variant.
Coding change: c.1008+2T>C on transcript NM_007194.4 (MANE Select); the canonical splice donor site of the intron after coding-DNA position 1008, T replaced by C.
Molecular consequence: splice donor variant.
Genome position (GRCh38, 1-based): chr22:28,699,836, A>G on the plus strand (T>C on the coding strand, the complement: CHEK2 is on the minus strand). VCF-style: chr22-28699836-A-G. GRCh37 (hg19) VCF-style: chr22-29095824-A-G.
Other names: c.345+2T>C (NM_001437942.1, NM_001257387.3); c.807+2T>C (NM_001349956.3); c.1008+2T>C (NM_145862.3); c.1101+2T>C (NM_001438295.1, NM_001438293.1); c.1137+2T>C (NM_001438294.1, NM_001005735.3).
Identifiers: ClinVar variation 5034536 (VCV005034536.1).

ClinVar aggregate classification (germline): Uncertain significance (1 of 4 stars; one submission).

Conditions:
Hereditary cancer-predisposing syndrome. Also called: Hereditary Cancer Syndrome; Neoplastic Syndromes, Hereditary; Tumor predisposition; Hereditary neoplastic syndrome. Identifiers: Orphanet 140162, MedGen C0027672, MeSH D009386, MONDO:0015356.

Submission:

Ambry Genetics
Classification: Uncertain significance for Hereditary cancer-predisposing syndrome. Last evaluated: 2026-08-10. Review status: criteria provided, single submitter. Criteria: Ambry Variant Classification Scheme 2023. Collection method: clinical testing. Allele origin: germline.
Comment: The c.1008+2T>C intronic variant results from a T to C substitution two nucleotides after coding exon 8 in the CHEK2 gene. This nucleotide position is highly conserved in available vertebrate species. In silico splice site analysis predicts that this alteration will weaken the native splice donor site. Variants that disrupt the canonical splice site are expected to cause aberrant splicing, resulting in an abnormal protein or a transcript that is subject to nonsense-mediated mRNA decay; however, +2T>C variants are capable of generating wild-type transcripts in some genomic contexts and should be interpreted with caution (Lin JH et al. Hum Mutat. 2019 10;40:1856-1873). Based on the available evidence, the clinical significance of this variant remains unclear.